The following is an entry in ClinVar:

NM_002439.5(MSH3):c.563G>A (p.Arg188His)

Gene: MSH3 (mutS homolog 3; plus strand). Cytogenetic location: 5q14.1.
Variant type: single nucleotide variant.
Coding change: c.563G>A on transcript NM_002439.5 (MANE Select); coding-DNA position 563, G replaced by A.
Protein change: p.Arg188His; replaces arginine 188 with histidine.
Molecular consequence: missense variant.
Genome position (GRCh38, 1-based): chr5:80,665,347, G>A. VCF-style: chr5-80665347-G-A. GRCh37 (hg19) VCF-style: chr5-79961166-G-A.
Other names: short protein forms R188H.
Identifiers: ClinVar variation 825867 (VCV000825867.14), dbSNP rs572193350, ClinGen allele CA3327635.

ClinVar aggregate classification (germline): Conflicting classifications of pathogenicity. Review status: criteria provided, conflicting classifications (1 of 4 stars). 4 submissions from 4 submitters: Uncertain significance (3); Likely benign (1). Last evaluated 2026-01-08.

Conditions:
Hereditary cancer-predisposing syndrome. Also called: Neoplastic Syndromes, Hereditary; Tumor predisposition; Hereditary neoplastic syndrome; Hereditary Cancer Syndrome. Identifiers: Orphanet 140162, MedGen C0027672, MeSH D009386, MONDO:0015356.

Allele frequency attached by ClinVar (database versions not stated): gnomAD 0.00001 and 0.00009; TOPMed 0.00001; gnomAD exomes 0.00010 and 0.00020; ExAC 0.00027; 1000 Genomes Project 30x 0.00078; 1000 Genomes Project 0.00100.

Submissions (4):

Labcorp Genetics (formerly Invitae), Labcorp
Classification: Uncertain significance. Last evaluated: 2026-01-08. Review status: criteria provided, single submitter. Criteria: Invitae Variant Classification Sherloc (09022015). Collection method: clinical testing. Allele origin: germline.
Comment: This sequence change replaces arginine, which is basic and polar, with histidine, which is basic and polar, at codon 188 of the MSH3 protein (p.Arg188His). This variant is present in population databases (rs572193350, gnomAD 0.2%). This variant has not been reported in the literature in individuals affected with MSH3-related conditions. ClinVar contains an entry for this variant (Variation ID: 825867). An algorithm developed to predict the effect of missense changes on protein structure and function (PolyPhen-2) suggests that this variant is likely to be tolerated. In summary, the available evidence is currently insufficient to determine the role of this variant in disease. Therefore, it has been classified as a Variant of Uncertain Significance.

Quest Diagnostics Nichols Institute San Juan Capistrano
Classification: Uncertain significance. Last evaluated: 2024-11-02. Review status: criteria provided, single submitter. Criteria: Quest Diagnostics criteria. Collection method: clinical testing. Allele origin: unknown.
Comment: The MSH3 c.563G>A (p.Arg188His) variant has not been reported in individuals with MSH3-related conditions in the published literature. The frequency of this variant in the general population, 0.0015 (47/30554 chromosomes in South Asian subpopulation (Genome Aggregation Database)), is higher than would generally be expected for pathogenic variants in this gene. Analysis of this variant using bioinformatics tools for the prediction of the effect of amino acid changes on protein structure and function yielded predictions that this variant is benign. Based on the available information, we are unable to determine the clinical significance of this variant.

Ambry Genetics
Classification: Likely benign for Hereditary cancer-predisposing syndrome. Last evaluated: 2023-12-21. Review status: criteria provided, single submitter. Criteria: Ambry Variant Classification Scheme 2023. Collection method: clinical testing. Allele origin: germline.

Sema4
Classification: Uncertain significance for Hereditary cancer-predisposing syndrome. Last evaluated: 2021-07-22. Review status: criteria provided, single submitter. Criteria: Sema4 Curation Guidelines. Collection method: curation. Allele origin: germline.
Comment: The MSH3 c.563G>A (p.R188H) variant has not been reported in the literature to our knowledge. It was observed in 47/30554 chromosomes of the South Asian subpopulation in the large and broad cohorts of the Genome Aggregation Database (PMID: 32461654). The variant has been reported in ClinVar (Variation ID 825867). Functional studies have not been performed and in silico tool predictions of the variants effect on protein function are inconclusive. The evidence is insufficient to meet ACMG/AMP criteria for classifying the variant as benign or pathogenic. Thus, the clinical significance of this variant is currently uncertain.